The following is an entry in ClinVar:

NM_022124.6(CDH23):c.5272C>T (p.Gln1758Ter)

Gene: CDH23 (cadherin related 23; plus strand). Cytogenetic location: 10q22.1.
Variant type: single nucleotide variant.
Coding change: c.5272C>T on transcript NM_022124.6 (MANE Select); coding-DNA position 5272, C replaced by T.
Protein change: p.Gln1758Ter; replaces glutamine 1758 with a stop codon.
Molecular consequence: nonsense.
Genome position (GRCh38, 1-based): chr10:71,779,351, C>T. VCF-style: chr10-71779351-C-T. GRCh37 (hg19) VCF-style: chr10-73539108-C-T.
Other names: short protein forms Q1758*.
Identifiers: ClinVar variation 45972 (VCV000045972.5), dbSNP rs397517337, ClinGen allele CA261785.

ClinVar aggregate classification (germline): Likely pathogenic. Review status: criteria provided, single submitter (1 of 4 stars). 2 submissions from 2 submitters: Likely pathogenic (1). 1 of the submissions does not count toward it. Last evaluated 2024-05-14.

Conditions:
Rare genetic deafness. Identifiers: Orphanet 96210, MedGen C5680250.
Usher syndrome type 1D (USH1D). Also called: USHER SYNDROME, TYPE ID. Identifiers: Orphanet 231169, Orphanet 886, MedGen C1832845, MONDO:0010984, OMIM 601067.
Pituitary adenoma 5, multiple types. Identifiers: MedGen C4539685, MONDO:0054601, OMIM 617540.
Autosomal recessive nonsyndromic hearing loss 12. Also called: DEAFNESS, AUTOSOMAL RECESSIVE 12. Identifiers: Orphanet 90636, MedGen C1832394, MONDO:0011067, OMIM 601386.

Allele frequency attached by ClinVar (database versions not stated): gnomAD exomes below 0.00001.
gnomAD v4.1: 1 of 1,613,966 alleles (0.000062%); highest among the groups gnomAD compares: Non-Finnish European, 0.000085%; no homozygotes.

Submissions (2):

Fulgent Genetics
Classification: Likely pathogenic for Usher syndrome type 1D; Autosomal recessive nonsyndromic hearing loss 12; Pituitary adenoma 5, multiple types. Last evaluated: 2024-05-14. Review status: criteria provided, single submitter. Criteria: ACMG Guidelines, 2015. Collection method: clinical testing. Allele origin: germline.

Laboratory for Molecular Medicine, Mass General Brigham Personalized Medicine
Classification: Pathogenic for Rare genetic deafness. Last evaluated: 2012-02-20. Review status: no assertion criteria provided. Collection method: clinical testing. Allele origin: germline. Inheritance: Autosomal recessive inheritance. Observed: 4 variant alleles. Not counted in ClinVar's aggregate classification.
Comment: The Gln1758X variant in CDH23 has not been reported in the literature. The Gln17 58X variant leads to a premature stop codon at position 1758, which is predicted to lead to a truncated or absent protein. Therefore, this variant meets our cri teria to be classified as pathogenic.